The following is an entry in ClinVar:

NM_000038.6(APC):c.5292G>A (p.Gln1764=)

Gene: APC (APC regulator of Wnt signaling pathway; plus strand). Cytogenetic location: 5q22.2.
Variant type: single nucleotide variant.
Coding change: c.5292G>A on transcript NM_000038.6 (MANE Select); coding-DNA position 5292, G replaced by A.
Protein change: p.Gln1764=; no amino-acid change (glutamine 1764 retained).
Molecular consequence: synonymous variant. On other transcripts: non-coding transcript variant (2).
Genome position (GRCh38, 1-based): chr5:112,840,886, G>A. VCF-style: chr5-112840886-G-A. GRCh37 (hg19) VCF-style: chr5-112176583-G-A.
Other names: c.5292G>A, p.Gln1764= (NM_001127510.3, NM_001354895.2, NM_001407450.1); c.5238G>A, p.Gln1746= (NM_001127511.3); c.5346G>A, p.Gln1782= (NM_001354896.2, NM_001407447.1, NM_001407448.1 and 1 more transcripts); c.5322G>A, p.Gln1774= (NM_001354897.2); c.5217G>A, p.Gln1739= (NM_001354898.2); c.5208G>A, p.Gln1736= (NM_001354899.2); c.5169G>A, p.Gln1723= (NM_001354900.2); c.5115G>A, p.Gln1705= (NM_001354901.2, NM_001407453.1); and 12 more.
Identifiers: ClinVar variation 3254033 (VCV003254033.2), dbSNP rs876660722.

ClinVar aggregate classification (germline): Benign/Likely benign. Review status: criteria provided, multiple submitters, no conflicts (2 of 4 stars). 2 submissions from 2 submitters: Benign (1); Likely benign (1). Last evaluated 2024-12-08.

Conditions:
Hereditary cancer-predisposing syndrome. Also called: Hereditary neoplastic syndrome; Neoplastic Syndromes, Hereditary; Tumor predisposition; Hereditary Cancer Syndrome. Identifiers: Orphanet 140162, MedGen C0027672, MeSH D009386, MONDO:0015356.
Familial adenomatous polyposis 1 (FAP1). Also called: POLYPOSIS, ADENOMATOUS INTESTINAL; FAMILIAL ADENOMATOUS POLYPOSIS 1, ATTENUATED. Identifiers: MedGen C2713442, MONDO:0021056, OMIM 175100. Disease mechanism: loss of function.

Submissions (2):

Ambry Genetics
Classification: Likely benign for Hereditary cancer-predisposing syndrome. Last evaluated: 2024-12-08. Review status: criteria provided, single submitter. Criteria: Ambry Variant Classification Scheme 2023. Collection method: clinical testing. Allele origin: germline.

Myriad Genetics, Inc.
Classification: Benign for Familial adenomatous polyposis 1. Last evaluated: 2024-04-01. Review status: criteria provided, single submitter. Criteria: Myriad Autosomal Dominant, Autosomal Recessive and X-Linked Classification Criteria (2023). Collection method: clinical testing. Allele origin: unknown.
Comment: This variant is considered benign. This variant is a silent/synonymous amino acid change and it is not expected to impact splicing.